The following is an entry in ClinVar:

ClinVar aggregate classification (germline): Uncertain significance (0 of 4 stars; one submission).

Conditions:
CIC-related disorder. Also called: CIC-related condition.

gnomAD v4.1: 21 of 398,754 alleles (0.0053%); highest among the groups gnomAD compares: Admixed American, 0.031%; no homozygotes.

Submission:

PreventionGenetics, part of Exact Sciences
Classification: Uncertain significance for CIC-related condition. Last evaluated: 2024-04-22. Review status: no assertion criteria provided. Collection method: clinical testing. Allele origin: germline.
Comment: The CIC c.92G>T variant is predicted to result in the amino acid substitution p.Arg31Leu. To our knowledge, this variant has not been reported in the literature. This variant is reported in 0.0065% of alleles in individuals of European (Non-Finnish) descent in gnomAD. At this time, the clinical significance of this variant is uncertain due to the absence of conclusive functional and genetic evidence.

NM_001386298.1(CIC):c.92G>T (p.Arg31Leu)

Gene: CIC (capicua transcriptional repressor; plus strand). Cytogenetic location: 19q13.2.
Variant type: single nucleotide variant.
Coding change: c.92G>T on transcript NM_001386298.1 (MANE Select); coding-DNA position 92, G replaced by T.
Protein change: p.Arg31Leu; replaces arginine 31 with leucine.
Molecular consequence: missense variant.
Genome position (GRCh38, 1-based): chr19:42,271,875, G>T. VCF-style: chr19-42271875-G-T. GRCh37 (hg19) VCF-style: chr19-42776027-G-T.
Other names: c.92G>T, p.Arg31Leu (NM_001304815.2, NM_001379480.1, NM_001379482.1); short protein forms R31L.
Identifiers: ClinVar variation 3353226 (VCV003353226.1).
Genomic context (GRCh38, chr19:42,271,875, plus strand): 5'-TTTCAGGTCCTGGCAGTGGCAGCAAGTCCCCCCCAGCCACCAGGGCCAAGGCTCTGAGGC[G>T]GCGAGGGGCTGGGGAGGGTGACAAGCCAGAGGAGGAGGATGACGAGGCACAGCAGCCGCA-3'
Protein context (NP_001373227.1, residues 21-41): PPATRAKALR[Arg31Leu]RGAGEGDKPE